The following is an entry in ClinVar:

NM_000051.4(ATM):c.5385del (p.Leu1794_Trp1795insTer)

Gene: ATM (ATM serine/threonine kinase; plus strand). Cytogenetic location: 11q22.3.
Variant type: Deletion.
Coding change: c.5385del on transcript NM_000051.4 (MANE Select); coding-DNA position 5385, one base deleted (G; older notation c.5385delG).
Protein change: p.Leu1794_Trp1795insTer.
Molecular consequence: nonsense.
Genome position (GRCh38, 1-based): chr11:108,302,918, G deleted; the last of 2 consecutive G bases (chr11:108,302,917-108,302,918); deleting either gives the same sequence. VCF-style (leftmost placement, unchanged base first): chr11-108302916-TG-T. GRCh37 (hg19) VCF-style: chr11-108173643-TG-T.
Other names: c.5385del, p.Leu1794_Trp1795insTer (NM_001351834.2).
Identifiers: ClinVar variation 2811933 (VCV002811933.3), dbSNP rs2546979575, ClinGen allele CA2739270916.

ClinVar aggregate classification (germline): Pathogenic (1 of 4 stars; one submission).

Conditions:
Ataxia-telangiectasia syndrome (AT). Also called: Ataxia-telangiectasia, complementation group E; ATAXIA-TELANGIECTASIA, COMPLEMENTATION GROUP A; ATAXIA-TELANGIECTASIA, FRESNO VARIANT; Ataxia-telangiectasia; LOUIS-BAR SYNDROME; Ataxia-telangiectasia, complementation group D. Identifiers: Orphanet 100, MedGen C0004135, MONDO:0008840, OMIM 208900.

Submission:

Labcorp Genetics (formerly Invitae), Labcorp
Classification: Pathogenic for Ataxia-telangiectasia syndrome. Last evaluated: 2022-11-04. Review status: criteria provided, single submitter. Criteria: Invitae Variant Classification Sherloc (09022015). Collection method: clinical testing. Allele origin: germline.
Comment: For these reasons, this variant has been classified as Pathogenic. This sequence change creates a premature translational stop signal (p.Trp1795*) in the ATM gene. It is expected to result in an absent or disrupted protein product. Loss-of-function variants in ATM are known to be pathogenic (PMID: 23807571, 25614872). This variant is not present in population databases (gnomAD no frequency). This premature translational stop signal has been observed in individual(s) with breast cancer (PMID: 28724667, 30607632).

Literature cited by the submitters: PubMed 23807571; PubMed 25614872; PubMed 28724667; PubMed 30607632.